The following is an entry in ClinVar:

ClinVar aggregate classification (germline): Conflicting classifications of pathogenicity. Review status: criteria provided, conflicting classifications (1 of 4 stars). 13 submissions from 13 submitters: Uncertain significance (1); Benign (1); Likely benign (7). 4 of the submissions do not count toward it. Last evaluated 2026-06-01.

Conditions:
Familial thoracic aortic aneurysm and aortic dissection (TAAD). Also called: Thoracic aortic aneurysms and dissections. Identifiers: Orphanet 91387, MedGen C4707243, MONDO:0019625.
Shprintzen-Goldberg syndrome (SGS). Also called: Marfanoid disorder with craniosynostosis type 1; Marfanoid craniosynostosis syndrome; Shprintzen-Goldberg marfanoid syndrome; SHPRINTZEN-GOLDBERG CRANIOSYNOSTOSIS SYNDROME; CRANIOSYNOSTOSIS WITH ARACHNODACTYLY AND ABDOMINAL HERNIAS. Identifiers: Orphanet 2462, MedGen C1321551, MONDO:0008426, OMIM 182212.

Allele frequency attached by ClinVar (database versions not stated): gnomAD exomes 0.00076 and 0.00139; gnomAD 0.00079 and 0.00083; TOPMed 0.00081; ExAC 0.00102.
gnomAD v4.1: 1,930 of 1,471,856 alleles (0.13%); highest among the groups gnomAD compares: Middle Eastern, 0.33%; 2 homozygotes.

Submissions (13):

CeGaT Center for Human Genetics Tuebingen
Classification: Likely benign. Last evaluated: 2026-06-01. Review status: criteria provided, single submitter. Criteria: CeGaT Center For Human Genetics Tuebingen Variant Classification Criteria Version 2. Collection method: clinical testing. Allele origin: germline. Affected: yes. Observed: 15 variant alleles.
Comment: SKI: BP4, BP7, BS1

Labcorp Genetics (formerly Invitae), Labcorp
Classification: Likely benign for Shprintzen-Goldberg syndrome. Last evaluated: 2026-02-01. Review status: criteria provided, single submitter. Criteria: Invitae Variant Classification Sherloc (09022015). Collection method: clinical testing. Allele origin: germline.

Molecular Diagnostic Laboratory for Inherited Cardiovascular Disease, Montreal Heart Institute
Classification: Likely benign. Last evaluated: 2025-07-24. Review status: criteria provided, single submitter. Criteria: ACMG Guidelines, 2015. Collection method: clinical testing. Allele origin: germline. Affected: no.
Comment: BS1;BP7

ARUP Laboratories, Molecular Genetics and Genomics, ARUP Laboratories
Classification: Likely benign for Shprintzen-Goldberg syndrome. Last evaluated: 2025-04-17. Review status: criteria provided, single submitter. Criteria: ARUP Molecular Germline Variant Investigation Process 2024. Collection method: clinical testing. Allele origin: germline.

Blueprint Genetics
Classification: Likely benign. Last evaluated: 2024-11-21. Review status: criteria provided, single submitter. Criteria: ACMG Guidelines, 2015. Collection method: clinical testing. Allele origin: germline.

Ambry Genetics
Classification: Likely benign for Familial thoracic aortic aneurysm and aortic dissection. Last evaluated: 2015-08-08. Review status: criteria provided, single submitter. Criteria: Ambry Variant Classification Scheme 2023. Collection method: clinical testing. Allele origin: germline.

Eurofins Ntd Llc (ga)
Classification: Uncertain significance. Last evaluated: 2015-06-08. Review status: criteria provided, single submitter. Criteria: EGL Classification Definitions 2015. Collection method: clinical testing. Allele origin: germline. Observed: 1 variant allele, 1 heterozygote.

GeneDx
Classification: Benign. Last evaluated: 2015-03-02. Review status: criteria provided, single submitter. Criteria: GeneDx Variant Classification (06012015). Collection method: clinical testing. Allele origin: germline. Affected: yes.
Comment: This variant is considered likely benign or benign based on one or more of the following criteria: it is a conservative change, it occurs at a poorly conserved position in the protein, it is predicted to be benign by multiple in silico algorithms, and/or has population frequency not consistent with disease.

PreventionGenetics, part of Exact Sciences
Classification: Likely benign. Review status: criteria provided, single submitter. Criteria: ACMG Guidelines, 2015. Collection method: clinical testing. Allele origin: germline.

Clinical Genetics DNA and cytogenetics Diagnostics Lab, Erasmus MC, Erasmus Medical Center
Classification: Likely benign. Review status: no assertion criteria provided. Collection method: clinical testing. Allele origin: germline. Affected: yes. Study: VKGL Data-share Consensus. Not counted in ClinVar's aggregate classification.

Genome Diagnostics Laboratory, Amsterdam University Medical Center
Classification: Likely benign. Review status: no assertion criteria provided. Collection method: clinical testing. Allele origin: germline. Affected: yes. Study: VKGL Data-share Consensus. Not counted in ClinVar's aggregate classification.

Genome Diagnostics Laboratory, University Medical Center Utrecht
Classification: Likely benign. Review status: no assertion criteria provided. Collection method: clinical testing. Allele origin: germline. Affected: yes. Study: VKGL Data-share Consensus. Not counted in ClinVar's aggregate classification.

Joint Genome Diagnostic Labs from Nijmegen and Maastricht, Radboudumc and MUMC+
Classification: Likely benign. Review status: no assertion criteria provided. Collection method: clinical testing. Allele origin: germline. Affected: yes. Study: VKGL Data-share Consensus. Not counted in ClinVar's aggregate classification.

NM_003036.4(SKI):c.216C>T (p.Pro72=)

Gene: SKI (SKI proto-oncogene; plus strand). Cytogenetic location: 1p36.33.
Variant type: single nucleotide variant.
Coding change: c.216C>T on transcript NM_003036.4 (MANE Select); coding-DNA position 216, C replaced by T.
Protein change: p.Pro72=; no amino-acid change (proline 72 retained).
Molecular consequence: synonymous variant.
Genome position (GRCh38, 1-based): chr1:2,228,982, C>T. VCF-style: chr1-2228982-C-T. GRCh37 (hg19) VCF-style: chr1-2160421-C-T.
Identifiers: ClinVar variation 193249 (VCV000193249.68), dbSNP rs756778048, ClinGen allele CA238764.